The following is an entry in ClinVar:

ClinVar aggregate classification (germline): Uncertain significance (1 of 4 stars; one submission).

Allele frequency attached by ClinVar (database versions not stated): ExAC 0.00001; gnomAD 0.00002; TOPMed 0.00003.
gnomAD v4.1: 19 of 1,605,598 alleles (0.0012%); highest among the groups gnomAD compares: East Asian, 0.0089%; no homozygotes.

Submission:

Labcorp Genetics (formerly Invitae), Labcorp
Classification: Uncertain significance. Last evaluated: 2021-06-10. Review status: criteria provided, single submitter. Criteria: Invitae Variant Classification Sherloc (09022015). Collection method: clinical testing. Allele origin: germline.
Comment: This sequence change falls in intron 24 of the LAMC3 gene. It does not directly change the encoded amino acid sequence of the LAMC3 protein. It affects a nucleotide within the consensus splice site of the intron. This variant is present in population databases (rs764304807, ExAC 0.01%). This variant has not been reported in the literature in individuals with LAMC3-related conditions. Nucleotide substitutions within the consensus splice site are a relatively common cause of aberrant splicing (PMID: 17576681, 9536098). Algorithms developed to predict the effect of sequence changes on RNA splicing suggest that this variant is not likely to affect RNA splicing, but this prediction has not been confirmed by published transcriptional studies. In summary, the available evidence is currently insufficient to determine the role of this variant in disease. Therefore, it has been classified as a Variant of Uncertain Significance.

Literature cited by the submitters: PubMed 17576681; PubMed 9536098.

NM_006059.4(LAMC3):c.4030+4C>T

Gene: LAMC3 (laminin subunit gamma 3; plus strand). Cytogenetic location: 9q34.12.
Variant type: single nucleotide variant.
Coding change: c.4030+4C>T on transcript NM_006059.4 (MANE Select); 4 bases into the intron after coding-DNA position 4030, C replaced by T.
Molecular consequence: intron variant.
Genome position (GRCh38, 1-based): chr9:131,082,165, C>T. VCF-style: chr9-131082165-C-T. GRCh37 (hg19) VCF-style: chr9-133957552-C-T.
Identifiers: ClinVar variation 1434487 (VCV001434487.3), dbSNP rs764304807, ClinGen allele CA5288009.
Genomic context (GRCh38, chr9:131,082,165, plus strand): 5'-TCCAGGCTGCGACAGTGACTGTCATGGGAGCCAGGACTCTGCTGGCTGATCTGGAAGGTA[C>T]GTGAGTCCAGCTGACCACTAGGCTGTGTAATGACGAACGCCCCTGACAGCCACTCACCTC-3'